The following is an entry in ClinVar:

NM_182914.3(SYNE2):c.13130G>A (p.Ser4377Asn)

Gene: SYNE2 (spectrin repeat containing nuclear envelope protein 2; plus strand). Cytogenetic location: 14q23.2.
Variant type: single nucleotide variant.
Coding change: c.13130G>A on transcript NM_182914.3 (MANE Select); coding-DNA position 13130, G replaced by A.
Protein change: p.Ser4377Asn; replaces serine 4377 with asparagine.
Molecular consequence: missense variant.
Genome position (GRCh38, 1-based): chr14:64,121,033, G>A. VCF-style: chr14-64121033-G-A. GRCh37 (hg19) VCF-style: chr14-64587751-G-A.
Other names: c.13130G>A, p.Ser4377Asn (NM_015180.6); short protein forms S4377N.
Identifiers: ClinVar variation 2251220 (VCV002251220.4), dbSNP rs548347233, ClinGen allele CA7222346.

ClinVar aggregate classification (germline): Uncertain significance. Review status: criteria provided, multiple submitters, no conflicts (2 of 4 stars). 2 submissions from 2 submitters: Uncertain significance (2). Last evaluated 2024-10-10.

Conditions:
Emery-Dreifuss muscular dystrophy 5, autosomal dominant (EDMD5). Also called: EMERY-DREIFUSS MUSCULAR DYSTROPHY 5. Identifiers: Orphanet 261, MedGen C2751805, MONDO:0013072, OMIM 612999.

Allele frequency attached by ClinVar (database versions not stated): gnomAD 0.00001; ExAC 0.00002; 1000 Genomes Project 0.00020; 1000 Genomes Project 30x 0.00031.
gnomAD v4.1: 7 of 1,614,074 alleles (0.00043%); highest among the groups gnomAD compares: African/African-American, 0.0027%; no homozygotes.

Submissions (2):

Labcorp Genetics (formerly Invitae), Labcorp
Classification: Uncertain significance for Emery-Dreifuss muscular dystrophy 5, autosomal dominant. Last evaluated: 2024-10-10. Review status: criteria provided, single submitter. Criteria: Invitae Variant Classification Sherloc (09022015). Collection method: clinical testing. Allele origin: germline.
Comment: This sequence change replaces serine, which is neutral and polar, with asparagine, which is neutral and polar, at codon 4377 of the SYNE2 protein (p.Ser4377Asn). This variant is present in population databases (rs548347233, gnomAD 0.007%). This variant has not been reported in the literature in individuals affected with SYNE2-related conditions. ClinVar contains an entry for this variant (Variation ID: 2251220). An algorithm developed to predict the effect of missense changes on protein structure and function (PolyPhen-2) suggests that this variant is likely to be tolerated. In summary, the available evidence is currently insufficient to determine the role of this variant in disease. Therefore, it has been classified as a Variant of Uncertain Significance.

Ambry Genetics
Classification: Uncertain significance. Last evaluated: 2021-09-17. Review status: criteria provided, single submitter. Criteria: Ambry Variant Classification Scheme 2023. Collection method: clinical testing. Allele origin: germline.